The following is an entry in ClinVar:

ClinVar aggregate classification (germline): Uncertain significance (1 of 4 stars; one submission).

Allele frequency attached by ClinVar (database versions not stated): gnomAD exomes 0.00001.
gnomAD v4.1: 8 of 1,613,684 alleles (0.0005%); highest among the groups gnomAD compares: South Asian, 0.0011%; no homozygotes.

Submission:

Labcorp Genetics (formerly Invitae), Labcorp
Classification: Uncertain significance. Last evaluated: 2021-06-17. Review status: criteria provided, single submitter. Criteria: Invitae Variant Classification Sherloc (09022015). Collection method: clinical testing. Allele origin: germline.
Comment: Algorithms developed to predict the effect of missense changes on protein structure and function (SIFT, PolyPhen-2, Align-GVGD) all suggest that this variant is likely to be tolerated, but these predictions have not been confirmed by published functional studies and their clinical significance is uncertain. This sequence change replaces glutamic acid with glycine at codon 2154 of the RP1 protein (p.Glu2154Gly). The glutamic acid residue is weakly conserved and there is a moderate physicochemical difference between glutamic acid and glycine. This variant is not present in population databases (ExAC no frequency). This variant has not been reported in the literature in individuals with RP1-related conditions. In summary, the available evidence is currently insufficient to determine the role of this variant in disease. Therefore, it has been classified as a Variant of Uncertain Significance.

NM_006269.2(RP1):c.6461A>G (p.Glu2154Gly)

Gene: RP1 (RP1 axonemal microtubule associated; plus strand). Cytogenetic location: 8q12.1.
Variant type: single nucleotide variant.
Coding change: c.6461A>G on transcript NM_006269.2 (MANE Select); coding-DNA position 6461, A replaced by G.
Protein change: p.Glu2154Gly; replaces glutamic acid 2154 with glycine.
Molecular consequence: missense variant. On other transcripts: intron variant (1).
Genome position (GRCh38, 1-based): chr8:54,630,343, A>G. VCF-style: chr8-54630343-A-G. GRCh37 (hg19) VCF-style: chr8-55542903-A-G.
Other names: c.787+8055A>G (NM_001375654.1); short protein forms E2154G.
Identifiers: ClinVar variation 1466024 (VCV001466024.8), dbSNP rs973168352, ClinGen allele CA370992144.